The following is an entry in ClinVar:

ClinVar aggregate classification (germline): Pathogenic (1 of 4 stars; one submission).

Conditions:
Dilated cardiomyopathy 1DD (CMD1DD). Identifiers: Orphanet 154, MedGen C2750995, MONDO:0013168, OMIM 613172.

Submission:

Labcorp Genetics (formerly Invitae), Labcorp
Classification: Pathogenic for Dilated cardiomyopathy 1DD. Last evaluated: 2025-10-16. Review status: criteria provided, single submitter. Criteria: Invitae Variant Classification Sherloc (09022015). Collection method: clinical testing. Allele origin: germline.
Comment: This sequence change creates a premature translational stop signal (p.Thr951Profs*3) in the RBM20 gene. It is expected to result in an absent or disrupted protein product. Loss-of-function variants in RBM20 are known to be pathogenic (PMID: 20590677, 22004663, 38288598, 38510713, 40339755). This variant is not present in population databases (gnomAD no frequency). This variant has not been reported in the literature in individuals affected with RBM20-related conditions. For these reasons, this variant has been classified as Pathogenic.

Literature cited by the submitters: PubMed 20590677; PubMed 22004663; PubMed 38288598; PubMed 38510713; PubMed 40339755.

NM_001134363.3(RBM20):c.2851del (p.Thr951fs)

Gene: RBM20 (RNA binding motif protein 20; plus strand). Cytogenetic location: 10q25.2.
Variant type: Deletion.
Coding change: c.2851del on transcript NM_001134363.3 (MANE Select); coding-DNA position 2851, one base deleted (A; older notation c.2851delA).
Protein change: p.Thr951fs; shifts the reading frame from threonine 951.
Molecular consequence: frameshift variant.
Genome position (GRCh38, 1-based): chr10:110,821,470, A deleted; the last of 2 consecutive A bases (chr10:110,821,469-110,821,470); deleting either gives the same sequence. VCF-style (leftmost placement, unchanged base first): chr10-110821468-CA-C. GRCh37 (hg19) VCF-style: chr10-112581226-CA-C.
Other names: short protein forms T951fs.
Identifiers: ClinVar variation 4728532 (VCV004728532.1).